The following is an entry in ClinVar:

NM_007215.4(POLG2):c.510T>G (p.Phe170Leu)

Genes: MILR1 (mast cell immunoglobulin like receptor 1; plus strand), POLG2 (DNA polymerase gamma 2, accessory subunit; minus strand). Cytogenetic location: 17q23.3.
Variant type: single nucleotide variant.
Coding change: c.510T>G on transcript NM_007215.4 (MANE Select); coding-DNA position 510, T replaced by G.
Protein change: p.Phe170Leu; replaces phenylalanine 170 with leucine.
Molecular consequence: missense variant.
Genome position (GRCh38, 1-based): chr17:64,496,459, A>C on the plus strand (T>G on the coding strand, the complement: POLG2 is on the minus strand). VCF-style: chr17-64496459-A-C. GRCh37 (hg19) VCF-style: chr17-62492577-A-C.
Other names: short protein forms F170L.
Identifiers: ClinVar variation 1921598 (VCV001921598.5), dbSNP rs1555669524, ClinGen allele CA400640783.

ClinVar aggregate classification (germline): Uncertain significance (1 of 4 stars; one submission).

Allele frequency attached by ClinVar (database versions not stated): TOPMed below 0.00001.

Submission:

Labcorp Genetics (formerly Invitae), Labcorp
Classification: Uncertain significance. Last evaluated: 2022-02-25. Review status: criteria provided, single submitter. Criteria: Invitae Variant Classification Sherloc (09022015). Collection method: clinical testing. Allele origin: germline.
Comment: In summary, the available evidence is currently insufficient to determine the role of this variant in disease. Therefore, it has been classified as a Variant of Uncertain Significance. This sequence change replaces phenylalanine, which is neutral and non-polar, with leucine, which is neutral and non-polar, at codon 170 of the POLG2 protein (p.Phe170Leu). This variant is not present in population databases (gnomAD no frequency). This variant has not been reported in the literature in individuals affected with POLG2-related conditions. Algorithms developed to predict the effect of missense changes on protein structure and function (SIFT, PolyPhen-2, Align-GVGD) all suggest that this variant is likely to be tolerated.